The following is an entry in ClinVar:

ClinVar aggregate classification (germline): Conflicting classifications of pathogenicity. Review status: criteria provided, conflicting classifications (1 of 4 stars). 2 submissions from 2 submitters: Uncertain significance (1); Likely benign (1). Last evaluated 2025-12-15.

Conditions:
Baller-Gerold syndrome (BGS). Also called: CRANIOSYNOSTOSIS WITH RADIAL DEFECTS. Identifiers: Orphanet 1225, MedGen C0265308, MONDO:0009039, OMIM 218600.

Submissions (2):

Labcorp Genetics (formerly Invitae), Labcorp
Classification: Likely benign for Baller-Gerold syndrome. Last evaluated: 2025-12-15. Review status: criteria provided, single submitter. Criteria: Invitae Variant Classification Sherloc (09022015). Collection method: clinical testing. Allele origin: germline.

Baylor Genetics
Classification: Uncertain significance for Baller-Gerold syndrome. Last evaluated: 2019-06-13. Review status: criteria provided, single submitter. Criteria: ACMG Guidelines, 2015. Collection method: clinical testing. Allele origin: unknown. Affected: yes.
Comment: This variant was determined to be of uncertain significance according to ACMG Guidelines, 2015 [PMID:25741868].

NM_004260.4(RECQL4):c.2880C>G (p.Ala960=)

Gene: RECQL4 (RecQ like helicase 4; minus strand). Cytogenetic location: 8q24.3.
Variant type: single nucleotide variant.
Coding change: c.2880C>G on transcript NM_004260.4 (MANE Select); coding-DNA position 2880, C replaced by G.
Protein change: p.Ala960=; no amino-acid change (alanine 960 retained).
Molecular consequence: synonymous variant.
Genome position (GRCh38, 1-based): chr8:144,512,647, G>C on the plus strand (C>G on the coding strand, the complement: RECQL4 is on the minus strand). VCF-style: chr8-144512647-G-C. GRCh37 (hg19) VCF-style: chr8-145738030-G-C.
Identifiers: ClinVar variation 1029807 (VCV001029807.2), dbSNP rs766684128, ClinGen allele CA463566619.